The following is an entry in ClinVar:

ClinVar aggregate classification (germline): Uncertain significance (1 of 4 stars; one submission).

gnomAD v4.1: 1 of 1,614,260 alleles (0.000062%); no homozygotes.

Submission:

Labcorp Genetics (formerly Invitae), Labcorp
Classification: Uncertain significance. Last evaluated: 2024-12-12. Review status: criteria provided, single submitter. Criteria: Invitae Variant Classification Sherloc (09022015). Collection method: clinical testing. Allele origin: germline.
Comment: This sequence change replaces glutamic acid, which is acidic and polar, with glutamine, which is neutral and polar, at codon 608 of the C1S protein (p.Glu608Gln). This variant is not present in population databases (gnomAD no frequency). This variant has not been reported in the literature in individuals affected with C1S-related conditions. An algorithm developed to predict the effect of missense changes on protein structure and function (PolyPhen-2) suggests that this variant is likely to be tolerated. In summary, the available evidence is currently insufficient to determine the role of this variant in disease. Therefore, it has been classified as a Variant of Uncertain Significance.

NM_001734.5(C1S):c.1822G>C (p.Glu608Gln)

Gene: C1S (complement C1s; plus strand). Cytogenetic location: 12p13.31.
Variant type: single nucleotide variant.
Coding change: c.1822G>C on transcript NM_001734.5 (MANE Select); coding-DNA position 1822, G replaced by C.
Protein change: p.Glu608Gln; replaces glutamic acid 608 with glutamine.
Molecular consequence: missense variant.
Genome position (GRCh38, 1-based): chr12:7,070,406, G>C. VCF-style: chr12-7070406-G-C. GRCh37 (hg19) VCF-style: chr12-7177710-G-C.
Other names: c.1321G>C, p.Glu441Gln (NM_001346850.2); c.1822G>C, p.Glu608Gln (NM_201442.4); short protein forms E608Q, E441Q.
Identifiers: ClinVar variation 3727034 (VCV003727034.2).